The following is an entry in ClinVar:

ClinVar aggregate classification (germline): Pathogenic (1 of 4 stars; one submission).

Conditions:
Nephronophthisis. Also called: Juvenile Nephronophthisis. Identifiers: Orphanet 655, MedGen C0687120, MONDO:0019005, HP:0000090.
Meckel-Gruber syndrome. Also called: DYSENCEPHALIA SPLANCHNOCYSTICA; GRUBER SYNDROME; Dysencephalia splachnocystica. Identifiers: Orphanet 564, MedGen C0265215, MONDO:0018921.
Joubert syndrome. Also called: CEREBELLOPARENCHYMAL DISORDER IV; JOUBERT-BOLTSHAUSER SYNDROME; Familial aplasia of the vermis. Identifiers: Orphanet 475, MedGen C5979921, MONDO:0018772.

Allele frequency attached by ClinVar (database versions not stated): gnomAD exomes 0.00001.
gnomAD v4.1: 5 of 1,168,066 alleles (0.00043%); highest among the groups gnomAD compares: Non-Finnish European, 0.00055%; no homozygotes.

Submission:

Labcorp Genetics (formerly Invitae), Labcorp
Classification: Pathogenic for Joubert syndrome; Meckel-Gruber syndrome; Nephronophthisis. Last evaluated: 2023-05-24. Review status: criteria provided, single submitter. Criteria: Invitae Variant Classification Sherloc (09022015). Collection method: clinical testing. Allele origin: germline.
Comment: This variant is not present in population databases (gnomAD no frequency). For these reasons, this variant has been classified as Pathogenic. ClinVar contains an entry for this variant (Variation ID: 1457307). This premature translational stop signal has been observed in individual(s) with retinitis pigmentosa (PMID: 25377065). This sequence change creates a premature translational stop signal (p.Trp1347*) in the CEP290 gene. It is expected to result in an absent or disrupted protein product. Loss-of-function variants in CEP290 are known to be pathogenic (PMID: 16909394, 17345604, 20690115).

Literature cited by the submitters: PubMed 25377065; PubMed 16909394; PubMed 17345604; PubMed 20690115.

NM_025114.4(CEP290):c.4041G>A (p.Trp1347Ter)

Gene: CEP290 (centrosomal protein 290; minus strand). Cytogenetic location: 12q21.32.
Variant type: single nucleotide variant.
Coding change: c.4041G>A on transcript NM_025114.4 (MANE Select); coding-DNA position 4041, G replaced by A.
Protein change: p.Trp1347Ter; replaces tryptophan 1347 with a stop codon.
Molecular consequence: nonsense.
Genome position (GRCh38, 1-based): chr12:88,087,933, C>T on the plus strand (G>A on the coding strand, the complement: CEP290 is on the minus strand). VCF-style: chr12-88087933-C-T. GRCh37 (hg19) VCF-style: chr12-88481710-C-T.
Other names: short protein forms W1347*.
Identifiers: ClinVar variation 1457307 (VCV001457307.6), dbSNP rs2137251821, ClinGen allele CA385999344.
Genomic context (GRCh38, chr12:88,087,933, plus strand): 5'-CTTGACTAATTCCCGATTTAGTTTAAGTTCTTGAAGACGAAGTTCTTCTATTTTCATATG[C>T]CAGTTGATTACCTAAGATTTACAATTTATATACACAAATATAAATGCTATATTAACAAAT-3'